The following is an entry in ClinVar:

ClinVar aggregate classification (germline): Uncertain significance (1 of 4 stars; one submission).

Conditions:
Cranioectodermal dysplasia 1 (CED1). Also called: LEVIN SYNDROME I. Identifiers: Orphanet 1515, MedGen C0432235, MONDO:0021093, OMIM 218330.

Allele frequency attached by ClinVar (database versions not stated): gnomAD 0.00001; TOPMed 0.00001; gnomAD exomes 0.00002; ExAC 0.00003.
gnomAD v4.1: 10 of 1,613,502 alleles (0.00062%); highest among the groups gnomAD compares: Admixed American, 0.0033%; no homozygotes.

Submission:

Labcorp Genetics (formerly Invitae), Labcorp
Classification: Uncertain significance for Cranioectodermal dysplasia 1. Last evaluated: 2024-05-06. Review status: criteria provided, single submitter. Criteria: Invitae Variant Classification Sherloc (09022015). Collection method: clinical testing. Allele origin: germline.
Comment: This sequence change replaces arginine, which is basic and polar, with glutamine, which is neutral and polar, at codon 1221 of the IFT122 protein (p.Arg1221Gln). This variant is present in population databases (rs760157152, gnomAD 0.006%). This variant has not been reported in the literature in individuals affected with IFT122-related conditions. ClinVar contains an entry for this variant (Variation ID: 2184221). Advanced modeling of protein sequence and biophysical properties (such as structural, functional, and spatial information, amino acid conservation, physicochemical variation, residue mobility, and thermodynamic stability) performed at Invitae indicates that this missense variant is not expected to disrupt IFT122 protein function with a negative predictive value of 80%. In summary, the available evidence is currently insufficient to determine the role of this variant in disease. Therefore, it has been classified as a Variant of Uncertain Significance.

NM_052989.3(IFT122):c.3509G>A (p.Arg1170Gln)

Gene: IFT122 (intraflagellar transport 122; plus strand). Cytogenetic location: 3q22.1.
Variant type: single nucleotide variant.
Coding change: c.3509G>A on transcript NM_052989.3 (MANE Select); coding-DNA position 3509, G replaced by A.
Protein change: p.Arg1170Gln; replaces arginine 1170 with glutamine.
Molecular consequence: missense variant.
Genome position (GRCh38, 1-based): chr3:129,519,605, G>A. VCF-style: chr3-129519605-G-A. GRCh37 (hg19) VCF-style: chr3-129238448-G-A.
Other names: c.3488G>A, p.Arg1163Gln (NM_001280541.2); c.3059G>A, p.Arg1020Gln (NM_001280545.2); c.2882G>A, p.Arg961Gln (NM_001280546.2); c.3512G>A, p.Arg1171Gln (NM_001410808.1); c.3455G>A, p.Arg1152Gln (NM_001410809.1); c.3335G>A, p.Arg1112Gln (NM_001410810.1); c.3281G>A, p.Arg1094Gln (NM_001410811.1); c.3278G>A, p.Arg1093Gln (NM_001410813.1); and 5 more; short protein forms R1042Q, R1112Q, R1152Q, R1163Q, R1171Q, R1020Q, R1059Q, R1221Q.
Identifiers: ClinVar variation 2184221 (VCV002184221.4), dbSNP rs760157152, ClinGen allele CA2606952.
Genomic context (GRCh38, chr3:129,519,605, plus strand): 5'-CCTCCTTCCCGCCCACCCTGCAGCAAGGTGGCTCAGAGTTCGTGCCAGTGGTGGTGAGCC[G>A]GCTGGTGCTGCGCTCCATGAGCCGCCGGGATGTCCTCATCAAGCGATGGCCCCCACCCCT-3'
Protein context (NP_443715.1, residues 1160-1180): GSEFVPVVVS[Arg1170Gln]LVLRSMSRRD